The following is an entry in ClinVar:

NM_007194.4(CHEK2):c.1313A>G (p.Asp438Gly)

Gene: CHEK2 (checkpoint kinase 2; minus strand). Cytogenetic location: 22q12.1.
Variant type: single nucleotide variant.
Coding change: c.1313A>G on transcript NM_007194.4 (MANE Select); coding-DNA position 1313, A replaced by G.
Protein change: p.Asp438Gly; replaces aspartic acid 438 with glycine.
Molecular consequence: missense variant.
Genome position (GRCh38, 1-based): chr22:28,695,189, T>C on the plus strand (A>G on the coding strand, the complement: CHEK2 is on the minus strand). VCF-style: chr22-28695189-T-C. GRCh37 (hg19) VCF-style: chr22-29091177-T-C.
Other names: c.1442A>G, p.Asp481Gly (NM_001005735.3); c.650A>G, p.Asp217Gly (NM_001257387.3); c.1112A>G, p.Asp371Gly (NM_001349956.3); c.1226A>G, p.Asp409Gly (NM_145862.3); short protein forms D438G, D371G, D409G, D217G, D481G.
Identifiers: ClinVar variation 574591 (VCV000574591.16), dbSNP rs1569112074, ClinGen allele CA411096007.

ClinVar aggregate classification (germline): Uncertain significance. Review status: criteria provided, multiple submitters, no conflicts (2 of 4 stars). 4 submissions from 4 submitters: Uncertain significance (4). Last evaluated 2025-10-30.

Conditions:
Familial cancer of breast. Also called: hereditary breast carcinoma; BREAST CANCER, FAMILIAL; Hereditary breast cancer. Identifiers: Orphanet 227535, MedGen C0346153, MONDO:0016419, OMIM 114480. Disease mechanism: loss of function.
Hereditary cancer-predisposing syndrome. Also called: Neoplastic Syndromes, Hereditary; Hereditary Cancer Syndrome; Tumor predisposition; Hereditary neoplastic syndrome. Identifiers: Orphanet 140162, MedGen C0027672, MeSH D009386, MONDO:0015356.

Submissions (4):

Labcorp Genetics (formerly Invitae), Labcorp
Classification: Uncertain significance for Familial cancer of breast. Last evaluated: 2025-10-30. Review status: criteria provided, single submitter. Criteria: Invitae Variant Classification Sherloc (09022015). Collection method: clinical testing. Allele origin: germline.
Comment: This sequence change replaces aspartic acid, which is acidic and polar, with glycine, which is neutral and non-polar, at codon 438 of the CHEK2 protein (p.Asp438Gly). This variant is not present in population databases (gnomAD no frequency). This variant has not been reported in the literature in individuals affected with CHEK2-related conditions. ClinVar contains an entry for this variant (Variation ID: 574591). An algorithm developed to predict the effect of missense changes on protein structure and function (PolyPhen-2) suggests that this variant is likely to be disruptive. In summary, the available evidence is currently insufficient to determine the role of this variant in disease. Therefore, it has been classified as a Variant of Uncertain Significance.

Ambry Genetics
Classification: Uncertain significance for Hereditary cancer-predisposing syndrome. Last evaluated: 2024-12-31. Review status: criteria provided, single submitter. Criteria: Ambry Variant Classification Scheme 2023. Collection method: clinical testing. Allele origin: germline.
Comment: The p.D438G variant (also known as c.1313A>G), located in coding exon 11 of the CHEK2 gene, results from an A to G substitution at nucleotide position 1313. The aspartic acid at codon 438 is replaced by glycine, an amino acid with similar properties. This alteration was reported as functional in a study assessing CHEK2-complementation through quantification of KAP1 phosphorylation and CHK2 autophosphorylation in human RPE1-CHEK2-knockout cells (Stolarova L et al. Clin Cancer Res, 2023 Aug;29:3037-3050). This alteration also behaved as functional in an in vivo, yeast-based growth rate assay (Delimitsou A et al. Hum Mutat, 2019 May;40:631-648). This alteration was reported in a study of 1297 cases of early-onset breast cancer and 1121 controls (Young EL et al. J Med Genet, 2016 Jun;53:366-76). This alteration was also reported in 1/107 Macedonian individuals with a clinical history of hereditary polyposis or hereditary non-polyposis colorectal cancer who underwent multi-gene panel testing (Staninova-Stojovska M et al. Balkan J Med Genet, 2019 Dec;22:5-16). This amino acid position is well conserved in available vertebrate species. In addition, the in silico prediction for this alteration is inconclusive. Based on the available evidence, the clinical significance of this variant remains unclear.

GeneDx
Classification: Uncertain significance. Last evaluated: 2022-12-13. Review status: criteria provided, single submitter. Criteria: GeneDx Variant Classification Process June 2021. Collection method: clinical testing. Allele origin: germline. Affected: yes.
Comment: Not observed at significant frequency in large population cohorts (gnomAD); In silico analysis supports that this missense variant has a deleterious effect on protein structure/function; Identified in an individual with colorectal cancer (Staninova-Stojovska et al., 2019); Published functional studies demonstrate DNA damage response comparable to wild-type in a yeast-based assay (Delimitsou et al., 2019; This variant is associated with the following publications: (PMID: 19782031, 22419737, 31942411, 30851065)

Color Diagnostics, LLC DBA Color Health
Classification: Uncertain significance for Hereditary cancer-predisposing syndrome. Last evaluated: 2021-05-18. Review status: criteria provided, single submitter. Criteria: ACMG Guidelines, 2015. Collection method: clinical testing. Allele origin: germline.
Comment: This missense variant replaces aspartic acid with glycine at codon 438 of the CHEK2 protein. Computational prediction suggests that this variant may not impact protein structure and function (internally defined REVEL score threshold <= 0.5, PMID: 27666373). To our knowledge, functional studies have not been reported for this variant. This variant has been reported in an individual affected with hereditary nonpolyposis colorectal cancer (PMID: 31942411). This variant has not been identified in the general population by the Genome Aggregation Database (gnomAD). The available evidence is insufficient to determine the role of this variant in disease conclusively. Therefore, this variant is classified as a Variant of Uncertain Significance.

Literature cited by the submitters: PubMed 26787654 (cited by Ambry Genetics); PubMed 30851065 (cited by Ambry Genetics); PubMed 31942411 (cited by Ambry Genetics); PubMed 37449874 (cited by Ambry Genetics).